The following is an entry in ClinVar:

ClinVar aggregate classification (germline): Pathogenic. Review status: reviewed by expert panel (3 of 4 stars). 4 submissions from 4 submitters: Pathogenic (1). 3 of the submissions do not count toward it. Last evaluated 2024-12-03.

Conditions:
Hereditary cancer-predisposing syndrome. Also called: Neoplastic Syndromes, Hereditary; Hereditary neoplastic syndrome; Tumor predisposition; Hereditary Cancer Syndrome. Identifiers: Orphanet 140162, MedGen C0027672, MeSH D009386, MONDO:0015356.
Cardiovascular phenotype. Identifiers: MedGen CN230736.
RASopathy. Also called: rasopathies; Noonan spectrum disorder. Identifiers: Orphanet 536391, MedGen C5555857, MONDO:0021060.
Noonan syndrome 2 (NS2). Identifiers: Orphanet 648, MedGen C1854469, MONDO:0011531, OMIM 605275.

Submissions (4):

ClinGen RASopathy Variant Curation Expert Panel
Classification: Pathogenic for RASopathy. Last evaluated: 2024-12-03. Review status: reviewed by expert panel. Criteria: ClinGen RASopathy ACMG Specifications LZTR1 V1.3.0. Collection method: curation. Allele origin: germline. Inheritance: Autosomal recessive inheritance.
Comment: The c.1030del (p.Ser344fs) variant in LZTR1 is a deletion/frameshift variant predicted to cause a premature stop codon 7 amino acids downstream from position 344 in biologically-relevant-exon 10/21 and is predicted to lead to nonsense mediated decay in a gene in which loss-of-function is an established disease mechanism (PVS1). This variant is absent from gnomAD v2.1.1 (PM2_Supporting). This variant has been detected in 3 individuals with RASopathy. All were compound heterozygous for the variant and a pathogenic or likely pathogenic variant and 1 of those were confirmed in trans by whole exome trio analysis (c.1943-256C>T, 1.5 PM3 points, SCV000748478.4, SCV001445973.1, GeneDx, Broad Center for Mendelian Genomics) (PM3). In summary, this variant meets the criteria to be classified as pathogenic for autosomal recessive RASopathy based on the ACMG/AMP criteria applied, as specified by the ClinGen RASopathy VCEP: PVS1, PM3, PM2_Supporting. (ClinGen RASopathy VCEP specifications version 1.3; 12/3/2024)

Ambry Genetics
Classification: Pathogenic for Cardiovascular phenotype; Hereditary cancer-predisposing syndrome. Last evaluated: 2025-05-17. Review status: criteria provided, single submitter. Criteria: Ambry Variant Classification Scheme 2023. Collection method: clinical testing. Allele origin: germline. Not counted in ClinVar's aggregate classification.
Comment: The c.1030delT pathogenic mutation, located in coding exon 10 of the LZTR1 gene, results from a deletion of one nucleotide at nucleotide position 1030, causing a translational frameshift with a predicted alternate stop codon (p.S344Pfs*7). This variant is considered to be rare based on population cohorts in the Genome Aggregation Database (gnomAD). This alteration is expected to result in loss of function by premature protein truncation or nonsense-mediated mRNA decay. Loss-of-function variants in LZTR1 are related to an increased risk for schwannomas and autosomal recessive Noonan syndrome; however, such associations with autosomal dominant Noonan syndrome have not been observed (Piotrowski A et al. Nat Genet. 2014 Feb;46:182-7; Yamamoto GL et al. J Med Genet. 2015 Jun;52:413-21; Johnston JJ et al. Genet Med. 2018 10;20:1175-1185). Based on the supporting evidence, this variant is pathogenic for an increased risk of LZTR1-related schwannomatosis (SWN) and would be expected to cause autosomal recessive Noonan syndrome when present along with a second pathogenic or likely pathogenic variant on the other allele; however, the association of this alteration with autosomal dominant Noonan syndrome is unlikely.

Broad Center for Mendelian Genomics, Broad Institute of MIT and Harvard
Classification: Likely pathogenic for Noonan syndrome 2. Last evaluated: 2020-11-16. Review status: criteria provided, single submitter. Criteria: ACMG Guidelines, 2015. Collection method: curation. Allele origin: germline. Inheritance: Autosomal recessive inheritance. Not counted in ClinVar's aggregate classification.
Comment: The heterozygous p.Ser344ProfsTer7 variant in LZTR1 was identified by our study in the compound heterozygous state, along with another pathogenic variant, in 2 siblings with Noonan syndrome 2. The variant has not been previously reported in individuals with Noonan syndrome 2 and was absent from large population studies. This variant has also been reported in ClinVar (Variation ID: 523986) as pathogenic by GeneDx. This variant is predicted to cause a frameshift, which alters the proteinâ€™s amino acid sequence beginning at position 344 and leads to a premature termination codon 7 amino acids downstream. This alteration is then predicted to lead to a truncated or absent protein. Loss of function of the LZTR1 gene is strongly associated to autosomal recessive Noonan syndrome 2. In summary, although additional studies are required to fully establish its clinical significance, this variant is likely pathogenic. ACMG/AMP Criteria applied: PVS1_strong, PM2, PM3 (Richards 2015).

GeneDx
Classification: Pathogenic. Last evaluated: 2018-03-20. Review status: criteria provided, single submitter. Criteria: GeneDx Variant Classification (06012015). Collection method: clinical testing. Allele origin: germline. Affected: yes. Not counted in ClinVar's aggregate classification.
Comment: The c.1030delT variant in the LZTR1 gene has not been reported previously as a pathogenic variant nor as a benign variant, to our knowledge. The c.1030delT variant causes a frameshift starting with codon Serine 344, changes this amino acid to a Proline residue, and creates a premature Stop codon at position 7 of the new reading frame, denoted p.Ser344ProfsX7. This variant is predicted to cause loss of normal protein function either through protein truncation or nonsense-mediated mRNA decay. The c.1030delT variant is not observed in large population cohorts (Lek et al., 2016). We interpret c.1030delT as a pathogenic variant.

NM_006767.4(LZTR1):c.1030del (p.Ser344fs)

Gene: LZTR1 (leucine zipper like post translational regulator 1; plus strand). Cytogenetic location: 22q11.21.
Variant type: Deletion.
Coding change: c.1030del on transcript NM_006767.4 (MANE Select); coding-DNA position 1030, one base deleted (T; older notation c.1030delT).
Protein change: p.Ser344fs; shifts the reading frame from serine 344.
Molecular consequence: frameshift variant.
Genome position (GRCh38, 1-based): chr22:20,992,250, T deleted; the last of 2 consecutive T bases (chr22:20,992,249-20,992,250); deleting either gives the same sequence. VCF-style (leftmost placement, unchanged base first): chr22-20992248-CT-C. GRCh37 (hg19) VCF-style: chr22-21346537-CT-C.
Other names: short protein forms S344fs.
Identifiers: ClinVar variation 523986 (VCV000523986.4), dbSNP rs1555928249, ClinGen allele CA658799496.